The following is an entry in ClinVar:

ClinVar aggregate classification (germline): Uncertain significance (1 of 4 stars; one submission).

Conditions:
Cranioectodermal dysplasia 1 (CED1). Also called: LEVIN SYNDROME I. Identifiers: Orphanet 1515, MedGen C0432235, MONDO:0021093, OMIM 218330.

Allele frequency attached by ClinVar (database versions not stated): gnomAD 0.00001; gnomAD exomes 0.00001; TOPMed 0.00001; ExAC 0.00002.
gnomAD v4.1: 10 of 1,612,322 alleles (0.00062%); highest among the groups gnomAD compares: Middle Eastern, 0.016%; no homozygotes.

Submission:

Labcorp Genetics (formerly Invitae), Labcorp
Classification: Uncertain significance for Cranioectodermal dysplasia 1. Last evaluated: 2021-12-15. Review status: criteria provided, single submitter. Criteria: Invitae Variant Classification Sherloc (09022015). Collection method: clinical testing. Allele origin: germline.
Comment: This sequence change replaces alanine, which is neutral and non-polar, with valine, which is neutral and non-polar, at codon 62 of the IFT122 protein (p.Ala62Val). This variant is present in population databases (rs754388967, gnomAD 0.007%). This variant has not been reported in the literature in individuals affected with IFT122-related conditions. Algorithms developed to predict the effect of missense changes on protein structure and function are either unavailable or do not agree on the potential impact of this missense change (SIFT: "Deleterious"; PolyPhen-2: "Benign"; Align-GVGD: "Class C0"). In summary, the available evidence is currently insufficient to determine the role of this variant in disease. Therefore, it has been classified as a Variant of Uncertain Significance.

NM_052989.3(IFT122):c.185C>T (p.Ala62Val)

Gene: IFT122 (intraflagellar transport 122; plus strand). Cytogenetic location: 3q21.3.
Variant type: single nucleotide variant.
Coding change: c.185C>T on transcript NM_052989.3 (MANE Select); coding-DNA position 185, C replaced by T.
Protein change: p.Ala62Val; replaces alanine 62 with valine.
Molecular consequence: missense variant. On other transcripts: 5 prime UTR variant (2).
Genome position (GRCh38, 1-based): chr3:129,451,990, C>T. VCF-style: chr3-129451990-C-T. GRCh37 (hg19) VCF-style: chr3-129170833-C-T.
Other names: c.185C>T, p.Ala62Val (NM_001280541.2, NM_001410808.1, NM_001410809.1 and 8 more transcripts); c.-417C>T (NM_001280545.2); c.-187C>T (NM_001280546.2); short protein forms A62V.
Identifiers: ClinVar variation 1964158 (VCV001964158.2), dbSNP rs754388967, ClinGen allele CA2605716.
Genomic context (GRCh38, chr3:129,451,990, plus strand): 5'-ATGGCACCTTACTTCAGCCCCTCAAGGGACACAAAGACACTGTGTACTGTGTGGCATATG[C>T]GAAGGATGGTAAAAGGCTGCTCTGGGTTTCCATTCTCTATAATAGCCTCATCATTGTTCA-3'
Protein context (NP_443715.1, residues 52-72): HKDTVYCVAY[Ala62Val]KDGKRFASGS